The following is an entry in ClinVar:

NM_006059.4(LAMC3):c.4481C>T (p.Ser1494Leu)

Gene: LAMC3 (laminin subunit gamma 3; plus strand). Cytogenetic location: 9q34.12.
Variant type: single nucleotide variant.
Coding change: c.4481C>T on transcript NM_006059.4 (MANE Select); coding-DNA position 4481, C replaced by T.
Protein change: p.Ser1494Leu; replaces serine 1494 with leucine.
Molecular consequence: missense variant.
Genome position (GRCh38, 1-based): chr9:131,091,540, C>T. VCF-style: chr9-131091540-C-T. GRCh37 (hg19) VCF-style: chr9-133966927-C-T.
Other names: short protein forms S1494L.
Identifiers: ClinVar variation 1433207 (VCV001433207.5), dbSNP rs573955539, ClinGen allele CA5288205.

ClinVar aggregate classification (germline): Uncertain significance (1 of 4 stars; one submission).

Allele frequency attached by ClinVar (database versions not stated): TOPMed 0.00002; gnomAD 0.00003; gnomAD exomes 0.00007 and 0.00002; ExAC 0.00017; 1000 Genomes Project 0.00020; 1000 Genomes Project 30x 0.00047.
gnomAD v4.1: 37 of 1,579,146 alleles (0.0023%); highest among the groups gnomAD compares: South Asian, 0.03%; no homozygotes.

Submission:

Labcorp Genetics (formerly Invitae), Labcorp
Classification: Uncertain significance. Last evaluated: 2022-06-23. Review status: criteria provided, single submitter. Criteria: Invitae Variant Classification Sherloc (09022015). Collection method: clinical testing. Allele origin: germline.
Comment: This sequence change replaces serine, which is neutral and polar, with leucine, which is neutral and non-polar, at codon 1494 of the LAMC3 protein (p.Ser1494Leu). This variant is present in population databases (rs573955539, gnomAD 0.04%). This variant has not been reported in the literature in individuals affected with LAMC3-related conditions. Algorithms developed to predict the effect of missense changes on protein structure and function are either unavailable or do not agree on the potential impact of this missense change (SIFT: "Deleterious"; PolyPhen-2: "Benign"; Align-GVGD: "Class C0"). In summary, the available evidence is currently insufficient to determine the role of this variant in disease. Therefore, it has been classified as a Variant of Uncertain Significance.